The following is an entry in ClinVar:

ClinVar aggregate classification (germline): Uncertain significance. Review status: criteria provided, multiple submitters, no conflicts (2 of 4 stars). 2 submissions from 2 submitters: Uncertain significance (2). Last evaluated 2024-10-22.

Conditions:
Hereditary nonpolyposis colorectal neoplasms. Identifiers: MedGen C0009405, MeSH D003123.
Endometrial carcinoma. Also called: Endometrial carcinoma, somatic. Identifiers: MedGen C0476089, MONDO:0002447, OMIM 608089, HP:0012114.

Submissions (2):

Labcorp Genetics (formerly Invitae), Labcorp
Classification: Uncertain significance for Hereditary nonpolyposis colorectal neoplasms. Last evaluated: 2024-10-22. Review status: criteria provided, single submitter. Criteria: Invitae Variant Classification Sherloc (09022015). Collection method: clinical testing. Allele origin: germline.
Comment: This sequence change replaces aspartic acid, which is acidic and polar, with histidine, which is basic and polar, at codon 697 of the MSH6 protein (p.Asp697His). This variant is not present in population databases (gnomAD no frequency). This variant has not been reported in the literature in individuals affected with MSH6-related conditions. ClinVar contains an entry for this variant (Variation ID: 525817). Invitae Evidence Modeling of protein sequence and biophysical properties (such as structural, functional, and spatial information, amino acid conservation, physicochemical variation, residue mobility, and thermodynamic stability) has been performed for this missense variant. However, the output from this modeling did not meet the statistical confidence thresholds required to predict the impact of this variant on MSH6 protein function. In summary, the available evidence is currently insufficient to determine the role of this variant in disease. Therefore, it has been classified as a Variant of Uncertain Significance.

Baylor Genetics
Classification: Uncertain significance for Endometrial carcinoma. Last evaluated: 2023-05-10. Review status: criteria provided, single submitter. Criteria: ACMG Guidelines, 2015. Collection method: clinical testing. Allele origin: unknown.

NM_000179.3(MSH6):c.2089G>C (p.Asp697His)

Gene: MSH6 (mutS homolog 6; plus strand). Cytogenetic location: 2p16.3.
Variant type: single nucleotide variant.
Coding change: c.2089G>C on transcript NM_000179.3 (MANE Select); coding-DNA position 2089, G replaced by C.
Protein change: p.Asp697His; replaces aspartic acid 697 with histidine.
Molecular consequence: missense variant.
Genome position (GRCh38, 1-based): chr2:47,800,072, G>C. VCF-style: chr2-47800072-G-C. GRCh37 (hg19) VCF-style: chr2-48027211-G-C.
Other names: c.1699G>C, p.Asp567His (NM_001281492.2); c.1183G>C, p.Asp395His (NM_001281493.2, NM_001281494.2); short protein forms D697H, D395H, D567H.
Identifiers: ClinVar variation 525817 (VCV000525817.10), dbSNP rs1553413460, ClinGen allele CA346750852.
Genomic context (GRCh38, chr2:47,800,072, plus strand): 5'-AGTGAATTGGCCCTCTCTGCTCTAGGTGGTTGTGTCTTCTACCTCAAAAAATGCCTTATT[G>C]ATCAGGAGCTTTTATCAATGGCTAATTTTGAAGAATATATTCCCTTGGATTCTGACACAG-3'
Protein context (NP_000170.1, residues 687-707): CVFYLKKCLI[Asp697His]QELLSMANFE